The following is an entry in ClinVar:

NM_138295.5(PKD1L1):c.438G>A (p.Trp146Ter)

Gene: PKD1L1 (polycystin 1 like 1, transient receptor potential channel interacting; minus strand). Cytogenetic location: 7p12.3.
Variant type: single nucleotide variant.
Coding change: c.438G>A on transcript NM_138295.5 (MANE Select); coding-DNA position 438, G replaced by A.
Protein change: p.Trp146Ter; replaces tryptophan 146 with a stop codon.
Molecular consequence: nonsense.
Genome position (GRCh38, 1-based): chr7:47,932,017, C>T on the plus strand (G>A on the coding strand, the complement: PKD1L1 is on the minus strand). VCF-style: chr7-47932017-C-T. GRCh37 (hg19) VCF-style: chr7-47971614-C-T.
Other names: short protein forms W146*.
Identifiers: ClinVar variation 4998853 (VCV004998853.1).

ClinVar aggregate classification (germline): Likely pathogenic (1 of 4 stars; one submission).

Conditions:
PKD1L1-related disorder. Also called: PKD1L1-related condition.

gnomAD v4.1: 1 of 1,613,788 alleles (0.000062%); highest among the groups gnomAD compares: Admixed American, 0.0017%; no homozygotes.

Submission:

PreventionGenetics, part of Exact Sciences
Classification: Likely pathogenic for PKD1L1-related condition. Last evaluated: 2025-06-27. Review status: criteria provided, single submitter. Criteria: ACMG Guidelines, 2015. Collection method: clinical testing. Allele origin: germline.
Comment: The PKD1L1 c.438G>A variant is predicted to result in premature protein termination (p.Trp146*). This variant has not been reported in the literature in individuals with PKD1L1-related heterotaxy. This variant is reported in 0.0029% of alleles in individuals of Latino descent in gnomAD. Nonsense variants in PKD1L1 are expected to be pathogenic. This variant is interpreted as likely pathogenic.